The following is an entry in ClinVar:

NM_001244008.2(KIF1A):c.5171C>G (p.Thr1724Ser)

Gene: KIF1A (kinesin family member 1A; minus strand). Cytogenetic location: 2q37.3.
Variant type: single nucleotide variant.
Coding change: c.5171C>G on transcript NM_001244008.2 (MANE Select); coding-DNA position 5171, C replaced by G.
Protein change: p.Thr1724Ser; replaces threonine 1724 with serine.
Molecular consequence: missense variant.
Genome position (GRCh38, 1-based): chr2:240,719,049, G>C on the plus strand (C>G on the coding strand, the complement: KIF1A is on the minus strand). VCF-style: chr2-240719049-G-C. GRCh37 (hg19) VCF-style: chr2-241658466-G-C.
Other names: c.4895C>G, p.Thr1632Ser (NM_001320705.2, NM_001379649.1); c.4922C>G, p.Thr1641Ser (NM_001330289.2); c.4970C>G, p.Thr1657Ser (NM_001330290.2, NM_001379648.1); c.5246C>G, p.Thr1749Ser (NM_001379631.1); c.5147C>G, p.Thr1716Ser (NM_001379632.1); c.5144C>G, p.Thr1715Ser (NM_001379633.1, NM_001379645.1); c.4997C>G, p.Thr1666Ser (NM_001379634.1); c.4994C>G, p.Thr1665Ser (NM_001379635.1, NM_001379646.1); and 7 more; short protein forms T1716S, T1665S, T1715S, T1724S, T1623S, T1631S, T1661S, T1666S.
Identifiers: ClinVar variation 1745806 (VCV001745806.2), dbSNP rs2536592794, ClinGen allele CA351298046.

ClinVar aggregate classification (germline): Uncertain significance (1 of 4 stars; one submission).

Conditions:
Inborn genetic diseases. Identifiers: MedGen C0950123, MeSH D030342.

Allele frequency attached by ClinVar (database versions not stated): gnomAD exomes below 0.00001.
gnomAD v4.1: 1 of 1,612,084 alleles (0.000062%); highest among the groups gnomAD compares: Non-Finnish European, 0.000085%; no homozygotes.

Submission:

Ambry Genetics
Classification: Uncertain significance for Inborn genetic diseases. Last evaluated: 2022-01-31. Review status: criteria provided, single submitter. Criteria: Ambry Variant Classification Scheme 2023. Collection method: clinical testing. Allele origin: germline.
Comment: The p.T1724S variant (also known as c.5171C>G), located in coding exon 46 of the KIF1A gene, results from a C to G substitution at nucleotide position 5171. The threonine at codon 1724 is replaced by serine, an amino acid with similar properties. This amino acid position is not well conserved in available vertebrate species, and serine is the reference amino acid in other vertebrate species. In addition, this alteration is predicted to be tolerated by in silico analysis. Since supporting evidence is limited at this time, the clinical significance of this alteration remains unclear.